The following is an entry in ClinVar:

ClinVar aggregate classification (germline): Uncertain significance. Review status: criteria provided, multiple submitters, no conflicts (2 of 4 stars). 4 submissions from 4 submitters: Uncertain significance (4). Last evaluated 2025-09-26.

Conditions:
Hereditary nonpolyposis colorectal neoplasms. Identifiers: MedGen C0009405, MeSH D003123.
Hereditary cancer-predisposing syndrome. Also called: Neoplastic Syndromes, Hereditary; Tumor predisposition; Hereditary Cancer Syndrome; Hereditary neoplastic syndrome. Identifiers: Orphanet 140162, MedGen C0027672, MeSH D009386, MONDO:0015356.

Allele frequency attached by ClinVar (database versions not stated): gnomAD exomes below 0.00001; ExAC 0.00001.
gnomAD v4.1: 1 of 1,613,956 alleles (0.000062%); highest among the groups gnomAD compares: Admixed American, 0.0017%; no homozygotes.

Submissions (4):

Ambry Genetics
Classification: Uncertain significance for Hereditary cancer-predisposing syndrome. Last evaluated: 2025-09-26. Review status: criteria provided, single submitter. Criteria: Ambry Variant Classification Scheme 2023. Collection method: clinical testing. Allele origin: germline.
Comment: The c.3802-3A>G intronic variant results from an A to G substitution 3 nucleotides upstream from coding exon 9 in the MSH6 gene. This nucleotide position is highly conserved in available vertebrate species. In silico splice site analysis predicts that this alteration may result in the creation or strengthening of a novel splice acceptor site; however, direct evidence is insufficient at this time (Ambry internal data). Based on the available evidence, the clinical significance of this variant remains unclear.

Labcorp Genetics (formerly Invitae), Labcorp
Classification: Uncertain significance for Hereditary nonpolyposis colorectal neoplasms. Last evaluated: 2025-01-23. Review status: criteria provided, single submitter. Criteria: Invitae Variant Classification Sherloc (09022015). Collection method: clinical testing. Allele origin: germline.
Comment: This sequence change falls in intron 8 of the MSH6 gene. It does not directly change the encoded amino acid sequence of the MSH6 protein. It affects a nucleotide within the consensus splice site. This variant is present in population databases (rs778499259, gnomAD 0.003%). This variant has not been reported in the literature in individuals affected with MSH6-related conditions. ClinVar contains an entry for this variant (Variation ID: 920897). Variants that disrupt the consensus splice site are a relatively common cause of aberrant splicing (PMID: 17576681, 9536098). Algorithms developed to predict the effect of sequence changes on RNA splicing suggest that this variant may disrupt the consensus splice site. In summary, the available evidence is currently insufficient to determine the role of this variant in disease. Therefore, it has been classified as a Variant of Uncertain Significance.

Sema4
Classification: Uncertain significance for Hereditary cancer-predisposing syndrome. Last evaluated: 2022-03-02. Review status: criteria provided, single submitter. Criteria: Sema4 Curation Guidelines. Collection method: curation. Allele origin: germline.
Comment: The MSH6 c.3802-3A>G variant has not been reported in the literature to our knowledge. It was observed in 1/34556 chromosomes of the Latino subpopulation in the large and broad cohorts of the Genome Aggregation Database (PMID: 32461654). This variant has been reported in ClinVar (Variation ID 920897). Algorithms developed to predict the effect of sequence changes on RNA splicing do not suggest negative effect, though these predictions have not been confirmed by functional studies. The evidence is insufficient to meet ACMG/AMP criteria for classifying the variant as benign or pathogenic. Thus, the clinical significance of this variant is currently uncertain.

Color Diagnostics, LLC DBA Color Health
Classification: Uncertain significance for Hereditary cancer-predisposing syndrome. Last evaluated: 2019-12-09. Review status: criteria provided, single submitter. Criteria: ACMG Guidelines, 2015. Collection method: clinical testing. Allele origin: germline.
Comment: This variant causes an A>G nucleotide substitution at the -3 position of intron 8 of the MSH6 gene. Splice site prediction tools are inconclusive regarding the impact of this variant on RNA splicing. To our knowledge, functional studies have not been performed for this variant. This variant has not been reported in individuals affected with hereditary cancer in the literature. This variant has been identified in 1/250996 chromosomes in the general population by the Genome Aggregation Database (gnomAD). The available evidence is insufficient to determine the role of this variant in disease conclusively. Therefore, this variant is classified as a Variant of Uncertain Significance.

Literature cited by the submitters: PubMed 17576681 (cited by Labcorp Genetics (formerly Invitae), Labcorp); PubMed 9536098 (cited by Labcorp Genetics (formerly Invitae), Labcorp).

NM_000179.3(MSH6):c.3802-3A>G

Gene: MSH6 (mutS homolog 6; plus strand). Cytogenetic location: 2p16.3.
Variant type: single nucleotide variant.
Coding change: c.3802-3A>G on transcript NM_000179.3 (MANE Select); 3 bases into the intron before coding-DNA position 3802, A replaced by G.
Molecular consequence: intron variant.
Genome position (GRCh38, 1-based): chr2:47,806,449, A>G. VCF-style: chr2-47806449-A-G. GRCh37 (hg19) VCF-style: chr2-48033588-A-G.
Other names: c.2896-3A>G (NM_001281493.2, NM_001281494.2); c.3412-3A>G (NM_001281492.2).
Identifiers: ClinVar variation 920897 (VCV000920897.13), dbSNP rs778499259, ClinGen allele CA072130.
Genomic context (GRCh38, chr2:47,806,449, plus strand): 5'-CGGTTTTTTGAGAGGGCACTTCTCTTGCTAGCACATGTATCGCTAATATTTTTCTTTCTT[A>G]AGGCATGCATGGTAGAAAATGAATGTGAAGACCCCAGCCAGGAGACTATTACGTTCCTCT-3'